The following is an entry in ClinVar:

ClinVar aggregate classification (germline): Likely benign. Review status: criteria provided, multiple submitters, no conflicts (2 of 4 stars). 2 submissions from 2 submitters: Likely benign (2). Last evaluated 2026-01-21.

Conditions:
POLD1-related polyposis and colorectal cancer syndrome (CRCS10). Also called: Colorectal cancer, susceptibility to, 10; Colorectal cancer 10; COLORECTAL CANCER, SUSCEPTIBILITY TO, ON CHROMOSOME 19q. Identifiers: Orphanet 220460, MedGen C2675481, MONDO:0012953, OMIM 612591.

Allele frequency attached by ClinVar (database versions not stated): gnomAD exomes below 0.00001; gnomAD 0.00001; TOPMed 0.00001.
gnomAD v4.1: 6 of 1,572,000 alleles (0.00038%); highest among the groups gnomAD compares: Non-Finnish European, 0.00052%; no homozygotes.

Submissions (2):

Labcorp Genetics (formerly Invitae), Labcorp
Classification: Likely benign for POLD1-related polyposis and colorectal cancer syndrome. Last evaluated: 2026-01-21. Review status: criteria provided, single submitter. Criteria: Invitae Variant Classification Sherloc (09022015). Collection method: clinical testing. Allele origin: germline.

Myriad Genetics, Inc.
Classification: Likely benign for POLD1-related polyposis and colorectal cancer syndrome. Last evaluated: 2025-02-04. Review status: criteria provided, single submitter. Criteria: Myriad Autosomal Dominant, Autosomal Recessive and X-Linked Classification Criteria (2023). Collection method: clinical testing. Allele origin: unknown.
Comment: This variant is considered likely benign. This variant is intronic and is not expected to impact mRNA splicing.

NM_002691.4(POLD1):c.841-8G>T

Gene: POLD1 (DNA polymerase delta 1, catalytic subunit; plus strand). Cytogenetic location: 19q13.33.
Variant type: single nucleotide variant.
Coding change: c.841-8G>T on transcript NM_002691.4 (MANE Select); 8 bases into the intron before coding-DNA position 841, G replaced by T.
Molecular consequence: intron variant.
Genome position (GRCh38, 1-based): chr19:50,402,604, G>T. VCF-style: chr19-50402604-G-T. GRCh37 (hg19) VCF-style: chr19-50905861-G-T.
Other names: c.841-8G>T (NM_001256849.1, NM_001308632.1).
Identifiers: ClinVar variation 719298 (VCV000719298.10), dbSNP rs1293661839, ClinGen allele CA883215505.
Genomic context (GRCh38, chr19:50,402,604, plus strand): 5'-CTTCCCAGGGCAGGGCTGGGTGGGGAGCTGGTACCCTGCTGCCACCGCTGACCCACCCAT[G>T]CCCACAGGCTACGCAGTGCCAGCTGGAGGCGGACGTGCTGTGGTCTGACGTGGTCAGTCA-3'